The following is an entry in ClinVar:

NM_004004.6(GJB2):c.313_326del (p.Lys105fs)

Gene: GJB2 (gap junction protein beta 2; minus strand). Cytogenetic location: 13q12.11.
Variant type: Deletion.
Coding change: c.313_326del on transcript NM_004004.6 (MANE Select); coding-DNA positions 313 to 326, 14 bases deleted (AAGTTCATCAAGGG).
Protein change: p.Lys105fs; shifts the reading frame from lysine 105.
Genome position (GRCh38, 1-based): chr13:20,189,256-20,189,269, CCCTTGATGAACTT deleted on the plus strand (AAGTTCATCAAGGG on the coding strand, the reverse complement: GJB2 is on the minus strand); deleting any 14 consecutive bases within chr13:20,189,256-20,189,271 gives the same sequence; the c. name uses the placement nearest the transcript's 3' end. VCF-style (leftmost placement, unchanged base first): chr13-20189255-CCCCTTGATGAACTT-C. GRCh37 (hg19) VCF-style: chr13-20763394-CCCCTTGATGAACTT-C.
Other names: c.313_326delAAGTTCATCAAGGG (NM_004004.6); c.313_326del14 (NM_004004.6); short protein forms K105fs.
Identifiers: ClinVar variation 44737 (VCV000044737.109), dbSNP rs111033253, ClinGen allele CA172223.

ClinVar aggregate classification (germline): Pathogenic/Likely pathogenic. Review status: criteria provided, multiple submitters, no conflicts (2 of 4 stars). 44 submissions from 43 submitters: Pathogenic (39); Likely pathogenic (1). 4 of the submissions do not count toward it. Last evaluated 2026-10-01.

Conditions:
Rare genetic deafness. Identifiers: Orphanet 96210, MedGen C5680250.
GJB2-related disorder. Also called: GJB2-related condition; GJB2-related disorders. Identifiers: MedGen CN382183, MONDO:1060236.
Hearing loss. Identifiers: MedGen C3887873.
Inborn genetic diseases. Identifiers: MedGen C0950123, MeSH D030342.
Palmoplantar keratoderma-deafness syndrome. Also called: Keratoderma palmoplantar, with deafness; Palmoplantar keratoderma and sensorineural deafness; Hereditary palmoplantar keratoderma with deafness (subtype); Focal palmoplantar keratoderma with sensorineural deafness (subtype); Diffuse palmoplantar keratoderma with deafness (subtype). Identifiers: Orphanet 2202, MedGen C1835672, MONDO:0007852, OMIM 148350.
Knuckle pads, deafness AND leukonychia syndrome. Also called: Bart-Pumphrey syndrome. Identifiers: Orphanet 2698, MedGen C0266004, MONDO:0007866, OMIM 149200.
Mutilating keratoderma (VOWNKL). Also called: Keratoderma hereditarium mutilans. Identifiers: Orphanet 494, MedGen C0265964, MONDO:0007422, OMIM 124500.
Monogenic hearing loss.
Ichthyosis, hystrix-like, with hearing loss. Also called: Hystrix-like ichthyosis with deafness. Identifiers: Orphanet 477, MedGen C1865234, MONDO:0011245.
Autosomal recessive nonsyndromic hearing loss 1A (DFNB1A). Also called: Connexin 26 deafness; Deafness nonsyndromic, Connexin 26 linked; GJB6-Related DFNB 1 Nonsyndromic Hearing Loss and Deafness; Deafness, autosomal recessive 1A; Nonsyndromic Hearing Loss and Deafness, DFNB1; GJB2-Related Autosomal Recessive Nonsyndromic Hearing Loss. Identifiers: Orphanet 90636, MedGen C2673759, MONDO:0009076, OMIM 220290.
Autosomal dominant keratitis-ichthyosis-hearing loss syndrome. Also called: Senter syndrome; KID SYNDROME, AUTOSOMAL DOMINANT; HID SYNDROME. Identifiers: Orphanet 477, MedGen C0265336, MONDO:0007850, OMIM 148210.
Autosomal dominant nonsyndromic hearing loss 3A. Identifiers: Orphanet 90635, MedGen C2675750, MONDO:0011103, OMIM 601544.
Nonsyndromic genetic hearing loss. Also called: Nonsyndromic hearing loss and deafness; Non-syndromic genetic deafness; Nonsyndromic genetic deafness. Identifiers: Orphanet 87884, MedGen C5680182, MONDO:0019497.
Autosomal recessive nonsyndromic hearing loss 1B. Also called: DEAFNESS, AUTOSOMAL RECESSIVE 1B. Identifiers: Orphanet 90636, MedGen C2675235, MONDO:0012977, OMIM 612645.
Hearing impairment. Also called: Impaired Hearing. Identifiers: MedGen C1384666, MONDO:0005365, HP:0000365.

Submissions 1 to 10 of 44:

Clinical Genetics Laboratory, Skane University Hospital Lund
Classification: Pathogenic for Nonsyndromic genetic hearing loss. Last evaluated: 2026-10-01. Review status: criteria provided, single submitter. Criteria: ACMG Guidelines, 2015. Collection method: clinical testing. Allele origin: germline. Affected: yes.
Comment: Criterias used according to the ClinGen Hearing Loss Expert Panel Specifications to the ACMG/AMP Variant Interpretation Guidelines for CDH23, COCH, GJB2, KCNQ4, MYO6, MYO7A, SLC26A4, TECTA and USH2A Version 2.0: PVS1 and PM3_VeryStrong.

Genetics Laboratory, Great Ormond Street Hospital NHS Foundation Trust, North Thames Genomic Laboratory Hub
Classification: Pathogenic for Monogenic hearing loss. Last evaluated: 2026-09-20. Review status: criteria provided, single submitter. Criteria: ACGS Best Practice Guidelines for Variant Classification in Rare Disease 2024 v1.2. Collection method: clinical testing. Allele origin: germline. Affected: yes.
Comment: PM2_supporting, PVS1_strong, PM3_very-strong

PreventionGenetics, part of Exact Sciences
Classification: Pathogenic for GJB2-related condition. Last evaluated: 2026-05-13. Review status: criteria provided, single submitter. Criteria: ACMG Guidelines, 2015. Collection method: clinical testing. Allele origin: germline.
Comment: The GJB2 c.313_326del14 variant is predicted to result in a frameshift and premature protein termination (p.Lys105Glyfs*5). This variant has been reported to be causative for autosomal recessive nonsyndromic hearing loss (Denoyelle et al. 1999. PubMed ID: 10218527; Lazarin et al. 2013. PubMed ID: 22975760; Mikstiene et al. 2016. PubMed ID: 26896187). This variant is reported in 0.029% of alleles in individuals of South Asian descent in gnomAD. Frameshift variants in GJB2 are expected to be pathogenic. This variant is interpreted as pathogenic.

Institute of Medical Genetics and Applied Genomics, University Hospital Tübingen
Classification: Pathogenic for Autosomal recessive nonsyndromic hearing loss 1A. Last evaluated: 2026-05-08. Review status: criteria provided, single submitter. Criteria: ACMG Guidelines, 2015. Collection method: clinical testing. Allele origin: germline. Inheritance: Autosomal recessive inheritance. Affected: yes.

Ambry Genetics
Classification: Pathogenic for Inborn genetic diseases. Last evaluated: 2026-04-08. Review status: criteria provided, single submitter. Criteria: Ambry Variant Classification Scheme 2023. Collection method: clinical testing. Allele origin: germline.
Comment: The c.313_326del14 (p.K105Gfs*5) alteration, located in exon 2 (coding exon 1) of the GJB2 gene, consists of a deletion of 14 nucleotides from position 313 to 326, causing a translational frameshift with a predicted alternate stop codon after 5 amino acids. This variant is not expected to trigger nonsense-mediated mRNA decay, but impacts 54% of the protein. Premature stop codons are typically deleterious in nature, the impacted region is critical for protein function (Ambry internal data), and a significant portion of the protein is affected (Ambry internal data). for autosomal recessive GJB2-related non-syndromic hearing loss; however, its clinical significance for autosomal dominant GJB2-related non-syndromic hearing loss is uncertain and it is unlikely to be causative of autosomal dominant GJB2-related syndromic hearing loss with ectodermal involvement. Based on data from gnomAD, the c.313_326del14 allele has an overall frequency of 0.013% (38/281690) total alleles studied. The highest observed frequency was 0.029% (9/30614) of South Asian alleles. This variant has been identified in the homozygous state and/or in conjunction with other GJB2 variant(s) in individual(s) with features consistent with autosomal recessive GJB2-related non-syndromic hearing loss (Marlin, 2005; Dalam&oacute;n, 2013). Based on the available evidence, this alteration is classified as pathogenic.

Labcorp Genetics (formerly Invitae), Labcorp
Classification: Pathogenic. Last evaluated: 2026-01-22. Review status: criteria provided, single submitter. Criteria: Invitae Variant Classification Sherloc (09022015). Collection method: clinical testing. Allele origin: germline.
Comment: This sequence change creates a premature translational stop signal (p.Lys105Glyfs*5) in the GJB2 gene. While this is not anticipated to result in nonsense mediated decay, it is expected to disrupt the last 122 amino acid(s) of the GJB2 protein. This variant is present in population databases (rs111033253, gnomAD 0.03%). This premature translational stop signal has been observed in individuals with autosomal recessive deafness (PMID: 10218527, 22567152, 26896187, 27224056). ClinVar contains an entry for this variant (Variation ID: 44737). This variant disrupts the p.Pro173, p.Arg184 amino acid residue in GJB2. Other variant(s) that disrupt this residue have been determined to be pathogenic (PMID: 10874298, 10982180, 15855033, 25708704). This suggests that this residue is clinically significant, and that variants that disrupt this residue are likely to be disease-causing. For these reasons, this variant has been classified as Pathogenic.

Otogenetics
Classification: Pathogenic for Autosomal recessive nonsyndromic hearing loss 1A. Last evaluated: 2025-12-05. Review status: criteria provided, single submitter. Criteria: ACMG Guidelines, 2015. Collection method: clinical testing. Allele origin: germline.
Comment: PVS1_Strong: Frameshift indel introduces premature stop codon in gene with loss of function as mechanism of disease, removing more than 10% of the transcript; PM2: Maximum gnomAD MAF of 0.0294% in South Asian (SAS) subpopulation (<0.185% threshold); PM3_VeryStrong: Variant reported in homozygous state in two affected individuals and in trans with 4 pathogenic variants in multiple individuals affected with non-syndromic hearing loss (PMID: 26896187, 27224056)

Natera, Inc.
Classification: Pathogenic for Autosomal recessive deafness type 1A. Last evaluated: 2025-07-16. Review status: criteria provided, single submitter. Criteria: Natera Variant Classification Schema (03/2026). Collection method: clinical testing. Allele origin: germline.
Comment: The c.313_326delAAGTTCATCAAGGG variant in GJB2 is a frameshift variant predicted to shift the reading frame beginning at codon 105 and leads to a stop codon 5 codons downstream. This variant is expected to result in nonsense mediated decay, truncation, or a dysfunctional protein product. This variant is rare in the general population with a frequency below the threshold expected for the associated phenotype(s). This variant has been observed in one or more individuals affected with the associated recessive disease, as either homozygous or compound heterozygous with a second variant (PMID: 22695344). Given the available evidence, this variant is classified as Pathogenic.

CeGaT Center for Human Genetics Tuebingen
Classification: Pathogenic. Last evaluated: 2025-07-01. Review status: criteria provided, single submitter. Criteria: CeGaT Center For Human Genetics Tuebingen Variant Classification Criteria Version 2. Collection method: clinical testing. Allele origin: germline. Affected: yes. Observed: 8 variant alleles.
Comment: GJB2: PM3:Very Strong, PVS1:Strong, PM2

Centre for Clinical Genetics and Genomic Diagnostics, Zealand University Hospital
Classification: Pathogenic. Last evaluated: 2025-05-13. Review status: criteria provided, single submitter. Criteria: ACMG Guidelines, 2015. Collection method: clinical testing. Allele origin: germline. Affected: yes.
Comment: Compound heterozygous